The following is an entry in ClinVar:

NM_002878.4(RAD51D):c.537G>C (p.Leu179=)

Genes: RAD51D (RAD51 paralog D; minus strand), RAD51L3-RFFL (RAD51L3-RFFL readthrough; minus strand). Cytogenetic location: 17q12.
Variant type: single nucleotide variant.
Coding change: c.537G>C on transcript NM_002878.4 (MANE Select); coding-DNA position 537, G replaced by C.
Protein change: p.Leu179=; no amino-acid change (leucine 179 retained).
Molecular consequence: synonymous variant. On other transcripts: non-coding transcript variant (3).
Genome position (GRCh38, 1-based): chr17:35,106,425, C>G on the plus strand (G>C on the coding strand, the complement: RAD51D is on the minus strand). VCF-style: chr17-35106425-C-G. GRCh37 (hg19) VCF-style: chr17-33433444-C-G.
Other names: c.597G>C, p.Leu199= (NM_001142571.2); c.201G>C, p.Leu67= (NM_133629.3).
Identifiers: ClinVar variation 3904203 (VCV003904203.1).

ClinVar aggregate classification (germline): Benign (1 of 4 stars; one submission).

Conditions:
Breast-ovarian cancer, familial, susceptibility to, 4. Identifiers: Orphanet 145, MedGen C3280345, MONDO:0013669, OMIM 614291.

Submission:

Myriad Genetics, Inc.
Classification: Benign for Breast-ovarian cancer, familial, susceptibility to, 4. Last evaluated: 2025-02-24. Review status: criteria provided, single submitter. Criteria: Myriad Autosomal Dominant, Autosomal Recessive and X-Linked Classification Criteria (2023). Collection method: clinical testing. Allele origin: unknown.
Comment: This variant is considered benign. This variant is a silent/synonymous amino acid change and it is not expected to impact splicing.